The following is an entry in ClinVar:

NM_000275.3(OCA2):c.2055dup (p.Ala686fs)

Gene: OCA2 (OCA2 melanosomal transmembrane protein; minus strand). Cytogenetic location: 15q13.1.
Variant type: Duplication.
Coding change: c.2055dup on transcript NM_000275.3 (MANE Select); coding-DNA position 2055, one base duplicated (T; older notation c.2055dupT).
Protein change: p.Ala686fs; shifts the reading frame from alanine 686.
Molecular consequence: frameshift variant.
Genome position (GRCh38, 1-based): chr15:27,926,151, A duplicated on the plus strand (T on the coding strand, the reverse complement: OCA2 is on the minus strand); the first of 6 consecutive A bases (chr15:27,926,151-27,926,156); duplicating any one gives the same sequence. VCF-style (leftmost placement, unchanged base first): chr15-27926150-C-CA. GRCh37 (hg19) VCF-style: chr15-28171296-C-CA.
Other names: c.1983dup, p.Ala662fs (NM_001300984.2); short protein forms A662fs, A686fs.
Identifiers: ClinVar variation 2677411 (VCV002677411.7), dbSNP rs772595552, ClinGen allele CA7438784.

ClinVar aggregate classification (germline): Pathogenic/Likely pathogenic. Review status: criteria provided, multiple submitters, no conflicts (2 of 4 stars). 4 submissions from 4 submitters: Pathogenic (2); Likely pathogenic (2). Last evaluated 2024-03-26.

Conditions:
Tyrosinase-positive oculocutaneous albinism (OCA2). Also called: Albinism, oculocutaneous, type II; ALBINISM II; Oculocutaneous albinism type 2. Identifiers: Orphanet 79432, MedGen C0268495, MONDO:0008746, OMIM 203200.
SKIN/HAIR/EYE PIGMENTATION 1, BLUE/NONBLUE EYES (SHEP1). Also called: BROWN EYE COLOR 2; EYE COLOR 3; EYE COLOR, BLUE/NONBLUE; EYE COLOR, BROWN/BLUE; HAIR COLOR 3; SKIN/HAIR/EYE PIGMENTATION 1, BLOND/BROWN HAIR. Identifiers: MedGen C1856895, OMIM 227220.

Submissions (4):

Labcorp Genetics (formerly Invitae), Labcorp
Classification: Pathogenic. Last evaluated: 2024-03-26. Review status: criteria provided, single submitter. Criteria: Invitae Variant Classification Sherloc (09022015). Collection method: clinical testing. Allele origin: germline.
Comment: This sequence change creates a premature translational stop signal (p.Ala686Cysfs*55) in the OCA2 gene. It is expected to result in an absent or disrupted protein product. Loss-of-function variants in OCA2 are known to be pathogenic (PMID: 19865097, 21541274). The frequency data for this variant in the population databases is considered unreliable, as metrics indicate poor data quality at this position in the gnomAD database. This premature translational stop signal has been observed in individual(s) with oculocutaneous albinism (PMID: 10649493). For these reasons, this variant has been classified as Pathogenic.

Baylor Genetics
Classification: Likely pathogenic for SKIN/HAIR/EYE PIGMENTATION 1, BLUE/NONBLUE EYES. Last evaluated: 2023-04-18. Review status: criteria provided, single submitter. Criteria: ACMG Guidelines, 2015. Collection method: clinical testing. Allele origin: unknown.

Institute of Human Genetics, University of Leipzig Medical Center
Classification: Pathogenic for Tyrosinase-positive oculocutaneous albinism. Last evaluated: 2022-10-10. Review status: criteria provided, single submitter. Criteria: ACMG Guidelines, 2015. Collection method: clinical testing. Allele origin: maternal. Inheritance: Autosomal recessive inheritance. Affected: yes.
Comment: Criteria applied: PVS1,PM3,PM2_SUP

Juno Genomics, Hangzhou Juno Genomics, Inc
Classification: Likely pathogenic for Tyrosinase-positive oculocutaneous albinism. Review status: criteria provided, single submitter. Criteria: ACMG Guidelines, 2015. Collection method: clinical testing. Allele origin: germline.
Comment: Null variant in a gene where loss of function (LOF) is a known mechanism of disease.;Absent from controls (or at extremely low frequency if recessive) in Genome Aggregation Database.

Literature cited by the submitters: PubMed 19865097 (cited by Labcorp Genetics (formerly Invitae), Labcorp); PubMed 21541274 (cited by Labcorp Genetics (formerly Invitae), Labcorp); PubMed 10649493 (cited by Labcorp Genetics (formerly Invitae), Labcorp).